The following is an entry in ClinVar:

ClinVar aggregate classification (germline): Benign/Likely benign. Review status: criteria provided, multiple submitters, no conflicts (2 of 4 stars). 3 submissions from 3 submitters: Benign (1); Likely benign (1). 1 of the submissions does not count toward it. Last evaluated 2026-04-08.

Conditions:
DNASE1L3-related disorder. Also called: DNASE1L3-related condition.

Allele frequency attached by ClinVar (database versions not stated): ExAC 0.00115; 1000 Genomes Project 0.00359; ESP Exome Variant Server 0.00369; 1000 Genomes Project 30x 0.00375; gnomAD 0.00379; TOPMed 0.00436.
gnomAD v4.1: 1,122 of 1,613,250 alleles (0.07%); highest among the groups gnomAD compares: African/African-American, 1.3%; 6 homozygotes.

Submissions (3):

Women's Health and Genetics/Laboratory Corporation of America, LabCorp
Classification: Benign. Last evaluated: 2026-04-08. Review status: criteria provided, single submitter. Criteria: LabCorp Variant Classification Summary - May 2015. Collection method: clinical testing. Allele origin: germline.
Comment: Variant summary: DNASE1L3 c.-7C>T is located in the untranslated mRNA region upstream of the initiation codon. The variant allele was found at a frequency of 0.00097 in 249944 control chromosomes, predominantly at a frequency of 0.013 within the African or African-American subpopulation in the gnomAD database, including 3 homozygotes. The observed variant frequency within African or African-American control individuals in the gnomAD database exceeds the estimated maximal expected allele frequency for disease-causing variants in DNASE1L3. Additionally, the observation of multiple homozygous controls in gnomAD is not consistent with the early onset/severe presentation of DNASE1L3-related conditions. To our knowledge, no occurrence of c.-7C>T in individuals affected with DNASE1L3-related conditions and no experimental evidence demonstrating its impact on protein function have been reported. ClinVar contains an entry for this variant (Variation ID: 3049457). Based on the evidence outlined above, the variant was classified as benign.

Blueprint Genetics
Classification: Likely benign. Last evaluated: 2024-11-14. Review status: criteria provided, single submitter. Criteria: ACMG Guidelines, 2015. Collection method: clinical testing. Allele origin: germline.

PreventionGenetics, part of Exact Sciences
Classification: Benign for DNASE1L3-related condition. Last evaluated: 2019-07-15. Review status: no assertion criteria provided. Collection method: clinical testing. Allele origin: germline. Not counted in ClinVar's aggregate classification.
Comment: This variant is classified as benign based on ACMG/AMP sequence variant interpretation guidelines (Richards et al. 2015 PMID: 25741868, with internal and published modifications).

NM_004944.4(DNASE1L3):c.-7C>T

Gene: DNASE1L3 (deoxyribonuclease 1L3; minus strand). Cytogenetic location: 3p14.3.
Variant type: single nucleotide variant.
Coding change: c.-7C>T on transcript NM_004944.4 (MANE Select); 7 bases upstream of the start codon, C replaced by T.
Molecular consequence: 5 prime UTR variant.
Genome position (GRCh38, 1-based): chr3:58,210,913, G>A on the plus strand (C>T on the coding strand, the complement: DNASE1L3 is on the minus strand). VCF-style: chr3-58210913-G-A. GRCh37 (hg19) VCF-style: chr3-58196640-G-A.
Other names: c.-7C>T (NM_001256560.2).
Identifiers: ClinVar variation 3049457 (VCV003049457.4), dbSNP rs111630258, ClinGen allele CA2470157.